The following is an entry in ClinVar:

NM_020320.5(RARS2):c.1108G>C (p.Glu370Gln)

Gene: RARS2 (arginyl-tRNA synthetase 2, mitochondrial; minus strand). Cytogenetic location: 6q15.
Variant type: single nucleotide variant.
Coding change: c.1108G>C on transcript NM_020320.5 (MANE Select); coding-DNA position 1108, G replaced by C.
Protein change: p.Glu370Gln; replaces glutamic acid 370 with glutamine.
Molecular consequence: missense variant. On other transcripts: non-coding transcript variant (23).
Genome position (GRCh38, 1-based): chr6:87,520,184, C>G on the plus strand (G>C on the coding strand, the complement: RARS2 is on the minus strand). VCF-style: chr6-87520184-C-G. GRCh37 (hg19) VCF-style: chr6-88229902-C-G.
Other names: c.583G>C, p.Glu195Gln (NM_001318785.2, NM_001350506.2, NM_001350507.2 and 4 more transcripts); c.1108G>C, p.Glu370Gln (NM_001350505.2); short protein forms E195Q, E370Q.
Identifiers: ClinVar variation 1207880 (VCV001207880.6), dbSNP rs138490776, ClinGen allele CA3916394.

ClinVar aggregate classification (germline): Uncertain significance. Review status: criteria provided, multiple submitters, no conflicts (2 of 4 stars). 3 submissions from 3 submitters: Uncertain significance (2). 1 of the submissions does not count toward it. Last evaluated 2022-11-01.

Conditions:
Pontocerebellar hypoplasia type 6 (PCH6). Identifiers: Orphanet 166073, MedGen C1969084, MONDO:0012683, OMIM 611523.

Allele frequency attached by ClinVar (database versions not stated): gnomAD exomes 0.00001 and 0.00003; ExAC 0.00005; ESP Exome Variant Server 0.00015; gnomAD 0.00022 and 0.00023; TOPMed 0.00023; 1000 Genomes Project 30x 0.00031; 1000 Genomes Project 0.00040.
gnomAD v4.1: 52 of 1,612,824 alleles (0.0032%); highest among the groups gnomAD compares: African/African-American, 0.048%; no homozygotes.

Submissions (3):

Labcorp Genetics (formerly Invitae), Labcorp
Classification: Uncertain significance. Last evaluated: 2022-11-01. Review status: criteria provided, single submitter. Criteria: Invitae Variant Classification Sherloc (09022015). Collection method: clinical testing. Allele origin: germline.
Comment: This sequence change replaces glutamic acid, which is acidic and polar, with glutamine, which is neutral and polar, at codon 370 of the RARS2 protein (p.Glu370Gln). This variant is present in population databases (rs138490776, gnomAD 0.05%). This variant has not been reported in the literature in individuals affected with RARS2-related conditions. ClinVar contains an entry for this variant (Variation ID: 1207880). Advanced modeling of protein sequence and biophysical properties (such as structural, functional, and spatial information, amino acid conservation, physicochemical variation, residue mobility, and thermodynamic stability) performed at Invitae indicates that this missense variant is not expected to disrupt RARS2 protein function. In summary, the available evidence is currently insufficient to determine the role of this variant in disease. Therefore, it has been classified as a Variant of Uncertain Significance.

GeneDx
Classification: Uncertain significance. Last evaluated: 2019-11-05. Review status: criteria provided, single submitter. Criteria: GeneDx Variant Classification Process June 2021. Collection method: clinical testing. Allele origin: germline. Affected: yes.
Comment: In silico analysis, which includes protein predictors and evolutionary conservation, supports that this variant does not alter protein structure/function; Has not been previously published as pathogenic or benign to our knowledge

Natera, Inc.
Classification: Uncertain significance for Pontocerebellar hypoplasia, type 6. Last evaluated: 2020-02-26. Review status: no assertion criteria provided. Collection method: clinical testing. Allele origin: germline. Not counted in ClinVar's aggregate classification.